The following is an entry in ClinVar:

NM_005876.5(SPEG):c.5927A>G (p.Gln1976Arg)

Genes: ASIC4-AS1 (ASIC4 antisense RNA 1; minus strand), SPEG (striated muscle enriched protein kinase; plus strand). Cytogenetic location: 2q35.
Variant type: single nucleotide variant.
Coding change: c.5927A>G on transcript NM_005876.5 (MANE Select); coding-DNA position 5927, A replaced by G.
Protein change: p.Gln1976Arg; replaces glutamine 1976 with arginine.
Molecular consequence: missense variant.
Genome position (GRCh38, 1-based): chr2:219,483,390, A>G. VCF-style: chr2-219483390-A-G. GRCh37 (hg19) VCF-style: chr2-220348112-A-G.
Other names: short protein forms Q1976R.
Identifiers: ClinVar variation 2054475 (VCV002054475.4), dbSNP rs1245871200, ClinGen allele CA350694252.

ClinVar aggregate classification (germline): Uncertain significance (1 of 4 stars; one submission).

Allele frequency attached by ClinVar (database versions not stated): TOPMed below 0.00001.
gnomAD v4.1: 3 of 1,598,016 alleles (0.00019%); highest among the groups gnomAD compares: Admixed American, 0.0017%; no homozygotes.

Submission:

Labcorp Genetics (formerly Invitae), Labcorp
Classification: Uncertain significance. Last evaluated: 2022-04-12. Review status: criteria provided, single submitter. Criteria: Invitae Variant Classification Sherloc (09022015). Collection method: clinical testing. Allele origin: germline.
Comment: In summary, the available evidence is currently insufficient to determine the role of this variant in disease. Therefore, it has been classified as a Variant of Uncertain Significance. Algorithms developed to predict the effect of missense changes on protein structure and function (SIFT, PolyPhen-2, Align-GVGD) all suggest that this variant is likely to be tolerated. This variant has not been reported in the literature in individuals affected with SPEG-related conditions. This variant is not present in population databases (gnomAD no frequency). This sequence change replaces glutamine, which is neutral and polar, with arginine, which is basic and polar, at codon 1976 of the SPEG protein (p.Gln1976Arg).